The following is an entry in ClinVar:

ClinVar aggregate classification (germline): Conflicting classifications of pathogenicity. Review status: criteria provided, conflicting classifications (1 of 4 stars). 2 submissions from 2 submitters: Uncertain significance (1); Likely benign (1). Last evaluated 2025-12-02.

Conditions:
Xeroderma pigmentosum (XP). Identifiers: Orphanet 910, MedGen C0043346, MONDO:0019600.

Allele frequency attached by ClinVar (database versions not stated): ExAC 0.00003.

Submissions (2):

Labcorp Genetics (formerly Invitae), Labcorp
Classification: Likely benign. Last evaluated: 2025-12-02. Review status: criteria provided, single submitter. Criteria: Invitae Variant Classification Sherloc (09022015). Collection method: clinical testing. Allele origin: germline.

Sema4
Classification: Uncertain significance for Xeroderma pigmentosum. Last evaluated: 2021-07-26. Review status: criteria provided, single submitter. Criteria: Sema4 Curation Guidelines. Collection method: curation. Allele origin: germline.
Comment: The XPC c.2514+9A>G variant has not been reported in literature to our knowledge. This variant was observed in 1/95390 chromosomes in the Non-Finnish European population, according to the Genome Aggregation Database (PMID: 32461654). This variant has not been reported in ClinVar. In silico tools that predict the impact of sequence changes suggest that this variant may impact splicing, though these predictions have not been confirmed by functional studies. The overall evidence is insufficient to meet ACMG/AMP criteria for classifying it as benign or pathogenic. In summary, the clinical significance of this variant is currently uncertain.

NM_004628.5(XPC):c.2514+9A>G

Gene: XPC (XPC complex subunit, DNA damage recognition and repair factor; minus strand). Cytogenetic location: 3p25.1.
Variant type: single nucleotide variant.
Coding change: c.2514+9A>G on transcript NM_004628.5 (MANE Select); 9 bases into the intron after coding-DNA position 2514, A replaced by G.
Molecular consequence: intron variant.
Genome position (GRCh38, 1-based): chr3:14,147,899, T>C on the plus strand (A>G on the coding strand, the complement: XPC is on the minus strand). VCF-style: chr3-14147899-T-C. GRCh37 (hg19) VCF-style: chr3-14189399-T-C.
Other names: c.2496+9A>G (NM_001354729.2); c.1935+9A>G (NM_001354726.2); c.2268+9A>G (NM_001354730.2); c.2508+9A>G (NM_001354727.2).
Identifiers: ClinVar variation 1692823 (VCV001692823.2), dbSNP rs756795578, ClinGen allele CA2267115.